The following is an entry in ClinVar:

NM_001127222.2(CACNA1A):c.3749T>A (p.Leu1250His)

Gene: CACNA1A (calcium voltage-gated channel subunit alpha1 A; minus strand). Cytogenetic location: 19p13.13.
Variant type: single nucleotide variant.
Coding change: c.3749T>A on transcript NM_001127222.2 (MANE Select); coding-DNA position 3749, T replaced by A.
Protein change: p.Leu1250His; replaces leucine 1250 with histidine.
Molecular consequence: missense variant.
Genome position (GRCh38, 1-based): chr19:13,283,340, A>T on the plus strand (T>A on the coding strand, the complement: CACNA1A is on the minus strand). VCF-style: chr19-13283340-A-T. GRCh37 (hg19) VCF-style: chr19-13394154-A-T.
Other names: c.3761T>A, p.Leu1254His (NM_000068.4, NM_023035.3); c.3752T>A, p.Leu1251His (NM_001127221.2, NM_001174080.2); short protein forms L1250H, L1251H, L1254H.
Identifiers: ClinVar variation 4070695 (VCV004070695.1).

ClinVar aggregate classification (germline): Uncertain significance (1 of 4 stars; one submission).

Submission:

GeneDx
Classification: Uncertain significance. Last evaluated: 2025-01-16. Review status: criteria provided, single submitter. Criteria: GeneDx Variant Classification Process June 2021. Collection method: clinical testing. Allele origin: germline. Affected: yes.
Comment: Not observed at significant frequency in large population cohorts (gnomAD); In silico analysis supports that this missense variant has a deleterious effect on protein structure/function; Has not been previously published as pathogenic or benign to our knowledge.